The following is an entry in ClinVar:

ClinVar aggregate classification (germline): Uncertain significance (1 of 4 stars; one submission).

Conditions:
ADCY3-related disorder. Also called: ADCY3-related condition.

gnomAD v4.1: 6 of 1,613,652 alleles (0.00037%); highest among the groups gnomAD compares: Admixed American, 0.0083%; no homozygotes.

Submission:

PreventionGenetics, part of Exact Sciences
Classification: Uncertain significance for ADCY3-related condition. Last evaluated: 2026-04-02. Review status: criteria provided, single submitter. Criteria: ACMG Guidelines, 2015. Collection method: clinical testing. Allele origin: germline.
Comment: The ADCY3 c.2496C>T variant is not predicted to result in an amino acid change (p.=). Variants in ADCY3 are reported in multiple transcripts including the canonical transcript (NM_004036) and an alternative transcript (NM_001320613). In the canonical transcript this variant is known as c.2496-3C>T and is predicted to impact splicing based on a splicing prediction program; however, in the alternative transcript a splicing defect is not predicted (SpliceAI, Jaganathan K, et al. 2019. PubMed ID: 30661751). To our knowledge, this variant has not been reported in the literature. This variant is reported in 0.012% of alleles in individuals of Latino descent in gnomAD. At this time, the clinical significance of this variant is uncertain due to the absence of conclusive functional and genetic evidence.

NM_004036.5(ADCY3):c.2496-3C>T

Gene: ADCY3 (adenylate cyclase 3; minus strand). Cytogenetic location: 2p23.3.
Variant type: single nucleotide variant.
Coding change: c.2496-3C>T on transcript NM_004036.5 (MANE Select); 3 bases into the intron before coding-DNA position 2496, C replaced by T.
Molecular consequence: intron variant. On other transcripts: synonymous variant (1).
Genome position (GRCh38, 1-based): chr2:24,826,129, G>A on the plus strand (C>T on the coding strand, the complement: ADCY3 is on the minus strand). VCF-style: chr2-24826129-G-A. GRCh37 (hg19) VCF-style: chr2-25048998-G-A.
Other names: c.2496C>T, p.Ser832= (NM_001320613.2); c.2173-1593C>T (NM_001377130.1); c.2358-3C>T (NM_001377129.1); c.2562-3C>T (NM_001377128.1); c.2496-3C>T (NM_001377132.1); c.1773-3C>T (NM_001377131.1).
Identifiers: ClinVar variation 4990580 (VCV004990580.1).